The following is an entry in ClinVar:

NM_001042492.3(NF1):c.8461G>T (p.Val2821Leu)

Gene: NF1 (neurofibromin 1; plus strand). Cytogenetic location: 17q11.2.
Variant type: single nucleotide variant.
Coding change: c.8461G>T on transcript NM_001042492.3 (MANE Select); coding-DNA position 8461, G replaced by T.
Protein change: p.Val2821Leu; replaces valine 2821 with leucine.
Molecular consequence: missense variant.
Genome position (GRCh38, 1-based): chr17:31,374,096, G>T. VCF-style: chr17-31374096-G-T. GRCh37 (hg19) VCF-style: chr17-29701114-G-T.
Other names: c.8398G>T, p.Val2800Leu (NM_000267.4); short protein forms V2800L, V2821L.
Identifiers: ClinVar variation 4031041 (VCV004031041.1).

ClinVar aggregate classification (germline): Uncertain significance (1 of 4 stars; one submission).

Conditions:
Cardiovascular phenotype. Identifiers: MedGen CN230736.
Hereditary cancer-predisposing syndrome. Also called: Neoplastic Syndromes, Hereditary; Tumor predisposition; Hereditary neoplastic syndrome; Hereditary Cancer Syndrome. Identifiers: Orphanet 140162, MedGen C0027672, MeSH D009386, MONDO:0015356.

Submission:

Ambry Genetics
Classification: Uncertain significance for Cardiovascular phenotype; Hereditary cancer-predisposing syndrome. Last evaluated: 2025-05-18. Review status: criteria provided, single submitter. Criteria: Ambry Variant Classification Scheme 2023. Collection method: clinical testing. Allele origin: germline.
Comment: The p.V2800L variant (also known as c.8398G>T), located in coding exon 57 of the NF1 gene, results from a G to T substitution at nucleotide position 8398. The valine at codon 2800 is replaced by leucine, an amino acid with highly similar properties. This amino acid position is conserved. In addition, the in silico prediction for this alteration is inconclusive. Based on the available evidence, the clinical significance of this variant remains unclear.